The following is an entry in ClinVar:

NM_000208.4(INSR):c.3197G>A (p.Arg1066Gln)

Gene: INSR (insulin receptor; minus strand). Cytogenetic location: 19p13.2.
Variant type: single nucleotide variant.
Coding change: c.3197G>A on transcript NM_000208.4 (MANE Select); coding-DNA position 3197, G replaced by A.
Protein change: p.Arg1066Gln; replaces arginine 1066 with glutamine.
Molecular consequence: missense variant.
Genome position (GRCh38, 1-based): chr19:7,125,344, C>T on the plus strand (G>A on the coding strand, the complement: INSR is on the minus strand). VCF-style: chr19-7125344-C-T. GRCh37 (hg19) VCF-style: chr19-7125355-C-T.
Other names: c.3161G>A, p.Arg1054Gln (NM_001079817.3); short protein forms R1066Q, R1054Q.
Identifiers: ClinVar variation 4708434 (VCV004708434.3).

ClinVar aggregate classification (germline): Uncertain significance. Review status: criteria provided, multiple submitters, no conflicts (2 of 4 stars). 2 submissions from 2 submitters: Uncertain significance (2). Last evaluated 2026-01-19.

Conditions:
Insulin-resistant diabetes mellitus AND acanthosis nigricans. Also called: type A insulin resistance; DIABETES MELLITUS, INSULIN-RESISTANT, WITH ACANTHOSIS NIGRICANS, TYPE A; INSULIN RECEPTOR, DEFECT IN, WITH INSULIN-RESISTANT DIABETES MELLITUS AND ACANTHOSIS NIGRICANS; IRAN, TYPE A; Insulin-resistance syndrome type A. Identifiers: Orphanet 2297, MedGen C0342278, MONDO:0012520, OMIM 610549.
Hyperinsulinism due to INSR deficiency. Also called: Hyperinsulinism due to glutamodehydrogenase deficiency. Identifiers: Orphanet 263458, MedGen C1864952, MONDO:0012381, OMIM 609968.
Rabson-Mendenhall syndrome. Also called: MENDENHALL SYNDROME; Pineal Hyperplasia, Insulin-Resistant Diabetes Mellitus, and Somatic Abnormalities; Pineal hyperplasia AND diabetes mellitus syndrome. Identifiers: Orphanet 769, MedGen C0271695, MONDO:0009874, OMIM 262190.
Leprechaunism syndrome. Also called: LEPRECHAUNISM; Donohue syndrome. Identifiers: Orphanet 508, MedGen C0265344, MONDO:0009517, OMIM 246200.

gnomAD v4.1: 25 of 1,613,972 alleles (0.0015%); highest among the groups gnomAD compares: East Asian, 0.0089%; no homozygotes.

Submissions (2):

Labcorp Genetics (formerly Invitae), Labcorp
Classification: Uncertain significance. Last evaluated: 2026-01-19. Review status: criteria provided, single submitter. Criteria: Invitae Variant Classification Sherloc (09022015). Collection method: clinical testing. Allele origin: germline.
Comment: This sequence change replaces arginine, which is basic and polar, with glutamine, which is neutral and polar, at codon 1066 of the INSR protein (p.Arg1066Gln). This variant is present in population databases (rs372010924, gnomAD 0.007%). This missense change has been observed in individual(s) with obesity (PMID: 37327085). Invitae Evidence Modeling of protein sequence and biophysical properties (such as structural, functional, and spatial information, amino acid conservation, physicochemical variation, residue mobility, and thermodynamic stability) has been performed for this missense variant. However, the output from this modeling did not meet the statistical confidence thresholds required to predict the impact of this variant on INSR protein function. In summary, the available evidence is currently insufficient to determine the role of this variant in disease. Therefore, it has been classified as a Variant of Uncertain Significance.

Juno Genomics, Hangzhou Juno Genomics, Inc
Classification: Uncertain significance for Leprechaunism syndrome; Insulin-resistant diabetes mellitus AND acanthosis nigricans; Hyperinsulinism due to INSR deficiency; Rabson-Mendenhall syndrome. Review status: criteria provided, single submitter. Criteria: ACMG Guidelines, 2015. Collection method: clinical testing. Allele origin: germline.
Comment: Absent from controls (or at extremely low frequency if recessive) in Genome Aggregation Database.;Missense variant in a gene that has a low rate of benign missense variation.

Literature cited by the submitters: PubMed 37327085 (cited by Labcorp Genetics (formerly Invitae), Labcorp).